The following is an entry in ClinVar:

NM_000053.4(ATP7B):c.2680A>G (p.Thr894Ala)

Gene: ATP7B (ATPase copper transporting beta; minus strand). Cytogenetic location: 13q14.3.
Variant type: single nucleotide variant.
Coding change: c.2680A>G on transcript NM_000053.4 (MANE Select); coding-DNA position 2680, A replaced by G.
Protein change: p.Thr894Ala; replaces threonine 894 with alanine.
Molecular consequence: missense variant.
Genome position (GRCh38, 1-based): chr13:51,950,057, T>C on the plus strand (A>G on the coding strand, the complement: ATP7B is on the minus strand). VCF-style: chr13-51950057-T-C. GRCh37 (hg19) VCF-style: chr13-52524193-T-C.
Other names: c.2680A>G, p.Thr894Ala (NM_001406516.1, NM_001406511.1, NM_001406512.1 and 7 more transcripts); c.2584A>G, p.Thr862Ala (NM_001406517.1, NM_001406518.1); c.2194A>G, p.Thr732Ala (NM_001005918.3, NM_001406541.1, NM_001406542.1 and 1 more transcripts); c.2347A>G, p.Thr783Ala (NM_001243182.2); c.2446A>G, p.Thr816Ala (NM_001330578.2, NM_001406527.1, NM_001406528.1 and 2 more transcripts); c.2428A>G, p.Thr810Ala (NM_001330579.2, NM_001406531.1, NM_001406532.1 and 1 more transcripts); c.2647A>G, p.Thr883Ala (NM_001406514.1); c.2440A>G, p.Thr814Ala (NM_001406530.1); and 8 more; short protein forms T783A, T810A, T816A, T700A, T835A, T846A, T678A, T732A.
Identifiers: ClinVar variation 1930912 (VCV001930912.5), dbSNP rs1957898729, ClinGen allele CA388034344.
Genomic context (GRCh38, chr13:51,950,057, plus strand): 5'-TCTTCATTACCTTTGACATCTGAGCCTCTTCCACCAGTTTCACAATCTGAGCCAAAGTGG[T>C]GTCATTGCCCACGTGGGTAGCTTTAATGAGCACAGAGCCATGTGCATTTATAGACCCCGC-3'
Protein context (NP_000044.2, residues 884-904): LIKATHVGND[Thr894Ala]TLAQIVKLVE

ClinVar aggregate classification (germline): Likely pathogenic (1 of 4 stars; one submission).

Conditions:
Wilson disease (WND). Also called: Wilson's disease. Identifiers: Orphanet 905, MedGen C0019202, MONDO:0010200, OMIM 277900. Disease mechanism: loss of function.

Allele frequency attached by ClinVar (database versions not stated): TOPMed below 0.00001; gnomAD 0.00001.
gnomAD v4.1: 1 of 1,614,088 alleles (0.000062%); highest among the groups gnomAD compares: African/African-American, 0.0013%; no homozygotes.

Submission:

Labcorp Genetics (formerly Invitae), Labcorp
Classification: Likely pathogenic for Wilson disease. Last evaluated: 2022-03-12. Review status: criteria provided, single submitter. Criteria: Invitae Variant Classification Sherloc (09022015). Collection method: clinical testing. Allele origin: germline.
Comment: Advanced modeling of protein sequence and biophysical properties (such as structural, functional, and spatial information, amino acid conservation, physicochemical variation, residue mobility, and thermodynamic stability) performed at Invitae indicates that this missense variant is expected to disrupt ATP7B protein function. In summary, the currently available evidence indicates that the variant is pathogenic, but additional data are needed to prove that conclusively. Therefore, this variant has been classified as Likely Pathogenic. This variant disrupts the p.Thr894 amino acid residue in ATP7B. Other variant(s) that disrupt this residue have been determined to be pathogenic (Invitae). This suggests that this residue is clinically significant, and that variants that disrupt this residue are likely to be disease-causing. This variant has not been reported in the literature in individuals affected with ATP7B-related conditions. This variant is not present in population databases (gnomAD no frequency). This sequence change replaces threonine, which is neutral and polar, with alanine, which is neutral and non-polar, at codon 894 of the ATP7B protein (p.Thr894Ala).